The following is an entry in ClinVar:

ClinVar aggregate classification (germline): Uncertain significance (1 of 4 stars; one submission).

Submission:

GeneDx
Classification: Uncertain significance. Last evaluated: 2024-09-09. Review status: criteria provided, single submitter. Criteria: GeneDx Variant Classification Process June 2021. Collection method: clinical testing. Allele origin: germline. Affected: yes.
Comment: Not observed at significant frequency in large population cohorts (gnomAD); In silico analysis indicates that this missense variant does not alter protein structure/function; Has not been previously published as pathogenic or benign to our knowledge

NM_014271.4(IL1RAPL1):c.309T>G (p.Ile103Met)

Gene: IL1RAPL1 (interleukin 1 receptor accessory protein like 1; plus strand). Cytogenetic location: Xp21.3.
Variant type: single nucleotide variant.
Coding change: c.309T>G on transcript NM_014271.4 (MANE Select); coding-DNA position 309, T replaced by G.
Protein change: p.Ile103Met; replaces isoleucine 103 with methionine.
Molecular consequence: missense variant.
Genome position (GRCh38, 1-based): chrX:29,283,164, T>G. VCF-style: chrX-29283164-T-G. GRCh37 (hg19) VCF-style: chrX-29301281-T-G.
Other names: short protein forms I103M.
Identifiers: ClinVar variation 3767534 (VCV003767534.1).